The following is an entry in ClinVar:

NM_001394998.1(TANC2):c.4729C>T (p.His1577Tyr)

Gene: TANC2 (tetratricopeptide repeat, ankyrin repeat and coiled-coil containing 2; plus strand). Cytogenetic location: 17q23.3.
Variant type: single nucleotide variant.
Coding change: c.4729C>T on transcript NM_001394998.1 (MANE Select); coding-DNA position 4729, C replaced by T.
Protein change: p.His1577Tyr; replaces histidine 1577 with tyrosine.
Molecular consequence: missense variant.
Genome position (GRCh38, 1-based): chr17:63,420,459, C>T. VCF-style: chr17-63420459-C-T. GRCh37 (hg19) VCF-style: chr17-61497820-C-T.
Other names: c.4507C>T, p.His1503Tyr (NM_001411076.1); c.4477C>T, p.His1493Tyr (NM_025185.4); short protein forms H1493Y, H1503Y, H1577Y.
Identifiers: ClinVar variation 3899760 (VCV003899760.1).

ClinVar aggregate classification (germline): Uncertain significance (1 of 4 stars; one submission).

Submission:

GeneDx
Classification: Uncertain significance. Last evaluated: 2024-11-14. Review status: criteria provided, single submitter. Criteria: GeneDx Variant Classification Process June 2021. Collection method: clinical testing. Allele origin: germline. Affected: yes.
Comment: Not observed at significant frequency in large population cohorts (gnomAD); In silico analysis indicates that this missense variant does not alter protein structure/function; Has not been previously published as pathogenic or benign to our knowledge